The following is an entry in ClinVar:

ClinVar aggregate classification (germline): Likely benign. Review status: criteria provided, multiple submitters, no conflicts (2 of 4 stars). 3 submissions from 3 submitters: Likely benign (2). 1 of the submissions does not count toward it. Last evaluated 2018-08-20.

Conditions:
ECE1-related disorder. Also called: ECE1-related condition.

Allele frequency attached by ClinVar (database versions not stated): gnomAD exomes 0.00007 and 0.00017; ExAC 0.00025; 1000 Genomes Project 30x 0.00047; 1000 Genomes Project 0.00060; gnomAD 0.00079 and 0.00086; TOPMed 0.00085; ESP Exome Variant Server 0.00108.
gnomAD v4.1: 231 of 1,614,260 alleles (0.014%); highest among the groups gnomAD compares: African/African-American, 0.28%; no homozygotes.

Submissions (3):

Labcorp Genetics (formerly Invitae), Labcorp
Classification: Likely benign. Last evaluated: 2018-08-20. Review status: criteria provided, single submitter. Criteria: Invitae Variant Classification Sherloc (09022015). Collection method: clinical testing. Allele origin: germline.

Breakthrough Genomics
Classification: Likely benign. Review status: criteria provided, single submitter. Criteria: ACMG Guidelines, 2015. Collection method: not provided. Allele origin: germline. Inheritance: Autosomal dominant inheritance. Affected: yes.

PreventionGenetics, part of Exact Sciences
Classification: Likely benign for ECE1-related condition. Last evaluated: 2023-03-16. Review status: no assertion criteria provided. Collection method: clinical testing. Allele origin: germline. Not counted in ClinVar's aggregate classification.
Comment: This variant is classified as likely benign based on ACMG/AMP sequence variant interpretation guidelines (Richards et al. 2015 PMID: 25741868, with internal and published modifications).

NM_001397.3(ECE1):c.517G>A (p.Glu173Lys)

Gene: ECE1 (endothelin converting enzyme 1; minus strand). Cytogenetic location: 1p36.12.
Variant type: single nucleotide variant.
Coding change: c.517G>A on transcript NM_001397.3 (MANE Select); coding-DNA position 517, G replaced by A.
Protein change: p.Glu173Lys; replaces glutamic acid 173 with lysine.
Molecular consequence: missense variant.
Genome position (GRCh38, 1-based): chr1:21,260,369, C>T on the plus strand (G>A on the coding strand, the complement: ECE1 is on the minus strand). VCF-style: chr1-21260369-C-T. GRCh37 (hg19) VCF-style: chr1-21586862-C-T.
Other names: c.481G>A, p.Glu161Lys (NM_001113347.2); c.469G>A, p.Glu157Lys (NM_001113348.2); c.508G>A, p.Glu170Lys (NM_001113349.2); short protein forms E173K, E170K, E157K, E161K.
Identifiers: ClinVar variation 735498 (VCV000735498.6), dbSNP rs147475863, ClinGen allele CA665460.